The following is an entry in ClinVar:

NM_001197104.2(KMT2A):c.11386C>A (p.Pro3796Thr)

Genes: KMT2A (lysine methyltransferase 2A; plus strand), TTC36-AS1 (TTC36 and KMT2A antisense RNA 1; minus strand). Cytogenetic location: 11q23.3.
Variant type: single nucleotide variant.
Coding change: c.11386C>A on transcript NM_001197104.2 (MANE Select); coding-DNA position 11386, C replaced by A.
Protein change: p.Pro3796Thr; replaces proline 3796 with threonine.
Molecular consequence: missense variant.
Genome position (GRCh38, 1-based): chr11:118,520,021, C>A. VCF-style: chr11-118520021-C-A. GRCh37 (hg19) VCF-style: chr11-118390736-C-A.
Other names: c.11377C>A, p.Pro3793Thr (NM_005933.4); short protein forms P3793T, P3796T.
Identifiers: ClinVar variation 1312177 (VCV001312177.2), dbSNP rs1362204635, ClinGen allele CA382833675.
Genomic context (GRCh38, chr11:118,520,021, plus strand): 5'-TCAGCATTTGACATGTTTAACTTCCTGGCTTCTAAACATCGTCAGCCTCCTGAATACAAC[C>A]CCAATGATGAAGAAGAGGAGGAGGTACAGCTGAAGTCAGCTCGGTAAGTCTTGAGTGGGG-3'
Protein context (NP_001184033.1, residues 3786-3806): SKHRQPPEYN[Pro3796Thr]NDEEEEEVQL

ClinVar aggregate classification (germline): Uncertain significance (1 of 4 stars; one submission).

Allele frequency attached by ClinVar (database versions not stated): TOPMed below 0.00001; gnomAD 0.00003.
gnomAD v4.1: 4 of 1,613,962 alleles (0.00025%); highest among the groups gnomAD compares: African/African-American, 0.0027%; no homozygotes.

Submission:

GeneDx
Classification: Uncertain significance. Last evaluated: 2019-09-12. Review status: criteria provided, single submitter. Criteria: GeneDx Variant Classification Process June 2021. Collection method: clinical testing. Allele origin: germline. Affected: yes.
Comment: In silico analysis, which includes protein predictors and evolutionary conservation, supports that this variant does not alter protein structure/function; Has not been previously published as pathogenic or benign to our knowledge